The following continues an entry in ClinVar:

NM_000059.4(BRCA2):c.2960A>T (p.Asn987Ile)

Gene: BRCA2. ClinVar aggregate classification (germline): Benign. Benign (1).

Submissions 22 to 26 of 26:

Counsyl
Classification: Benign for Breast-ovarian cancer, familial 2. Last evaluated: 2014-04-29. Review status: no assertion criteria provided. Collection method: literature only. Allele origin: unknown. Inheritance: Autosomal dominant inheritance. Not counted in ClinVar's aggregate classification.

ITMI
No classification provided. Condition: AllHighlyPenetrant. Last evaluated: 2013-09-19. Review status: no classification provided. Collection method: reference population. Allele origin: germline. Not counted in ClinVar's aggregate classification.
Comment: Please see associated publication for description of ethnicities

Sharing Clinical Reports Project (SCRP)
Classification: Benign for Breast-ovarian cancer, familial 2. Last evaluated: 2012-05-01. Review status: no assertion criteria provided. Collection method: clinical testing. Allele origin: germline. Not counted in ClinVar's aggregate classification.

Breast Cancer Information Core (BIC) (BRCA2)
Classification: Benign for Breast-ovarian cancer, familial 2. Last evaluated: 2002-05-29. Review status: no assertion criteria provided. Collection method: clinical testing. Allele origin: germline. Affected: yes. Observed: 41 variant alleles. Not counted in ClinVar's aggregate classification.

Department of Pathology and Laboratory Medicine, Sinai Health System
Classification: Benign for Malignant tumor of breast. Review status: no assertion criteria provided. Collection method: clinical testing. Allele origin: unknown. Affected: yes. Study: The Canadian Open Genetics Repository (COGR). Not counted in ClinVar's aggregate classification.
Comment: The BRCA2 p.Asn987Ile variant was identified in 2/139220 proband chromosomes of individuals with breast cancer and/or HBOC and was present in in 2/148 control chromosomes from healthy individuals (Fackenthal 2005, Lee 2008, Rajasekaran 2008, Spearman 2008). The p.Asn987Ile variant has been previously observed in our laboratory. The variant was identified in dbSNP (ID: rs2227944) â€šÃ„ÃºWith Benign alleleâ€šÃ„Ã¹, Clinvitae database (classification benign by multiple submitters), Fanconi Anemia Mutation Database (LOVD), LOVD-IARC database (classified as not pathogenic/of no clinical importance), ARUP Laboratories BRCA Mutations Database (classification not pathogenic/no clinical importance), the ClinVar database (classification benign, reviewed by an expert panel, multiple submitters), GeneInsight COGR database (3X, classification likely benign, benign, and unclassified by clinical laboratories), the BIC database (41X with no clinical importance), and UMD (72X with a â€šÃ„Ãºneutralâ€šÃ„Ã¹ classification, co-occurring with multiple pathogenic mutations in BRCA2: c.5213_5216delCTTA (p.Thr1738IlefsX2)/c.6405_6409delCTTAA (p.Asn2135LysfsX3)), and in BRCA1: c.4945_4947delinsTTTT (p.Arg1649SerfsX30)/ c.5038_5041dup (p.Thr1681AsnfsX3)/ c.4484G>A (p.Arg1495Lys), increasing the likelihood that the p.Asn987Ile variant does not have clinical significance. This variant was also identified in the 1000 Genomes Project in 10 of 5000 chromosomes (frequency: 0.002), HAPMAP-GLOBAL in 2 of 174 chromosomes (frequency: 0.0115), NHLBI GO Exome Sequencing Project in 1 of 8586 European American alleles (frequency: 0.00012) and in 47 of 4406 African American alleles (frequency: 0.01067); and in the Exome Aggregation Consortium database (March 14, 2016) in 105 of 120300 chromosomes (freq. 00087) in the following populations: African in 101 of 9930 chromosomes (freq. 0.01017), Latino in 3 of 11504 chromosomes (freq. 00026), European (Non-Finnish) in 1 of 66224 chromosomes (freq. 0.00002), but was not seen in East Asian, European (Finnish), Other, and South Asian populations. Myriad classifies this as a polymorphism (personal communication). The p.Asn987 residue is not conserved in mammals and computational analyses (PolyPhen, SIFT, AlignGVGD) provide inconsistent predictions regarding the impact to the protein; however, this information is not very predictive of pathogenicity. In summary, based on the above information, this variant meets our laboratory's criteria to be classified as benign.

Literature cited by the submitters: PubMed 21990134 (cited by 5 submitters); PubMed 18284688 (cited by 4 submitters); PubMed 19795481 (cited by Illumina Laboratory Services, Illumina); PubMed 22811390 (cited by 3 submitters); PubMed 24489791 (cited by Illumina Laboratory Services, Illumina); PubMed 15744044 (cited by 4 submitters); PubMed 18824701 (cited by 4 submitters); PubMed 24728327 (cited by 3 submitters); PubMed 11030418 (cited by 4 submitters); PubMed 20104584 (cited by Women's Health and Genetics/Laboratory Corporation of America, LabCorp); PubMed 24323938 (cited by Women's Health and Genetics/Laboratory Corporation of America, LabCorp); PubMed 16234499 (cited by Women's Health and Genetics/Laboratory Corporation of America, LabCorp); PubMed 22034289 (cited by Women's Health and Genetics/Laboratory Corporation of America, LabCorp).